The following is an entry in ClinVar:

ClinVar aggregate classification (germline): Uncertain significance (1 of 4 stars; one submission).

Conditions:
Hereditary cancer-predisposing syndrome. Also called: Neoplastic Syndromes, Hereditary; Tumor predisposition; Hereditary Cancer Syndrome; Hereditary neoplastic syndrome. Identifiers: Orphanet 140162, MedGen C0027672, MeSH D009386, MONDO:0015356.

gnomAD v4.1: 1 of 1,612,486 alleles (0.000062%); highest among the groups gnomAD compares: Non-Finnish European, 0.000085%; no homozygotes.

Submission:

Ambry Genetics
Classification: Uncertain significance for Hereditary cancer-predisposing syndrome. Last evaluated: 2024-05-16. Review status: criteria provided, single submitter. Criteria: Ambry Variant Classification Scheme 2023. Collection method: clinical testing. Allele origin: germline.
Comment: The p.S2993L variant (also known as c.8978C>T), located in coding exon 22 of the BRCA2 gene, results from a C to T substitution at nucleotide position 8978. The serine at codon 2993 is replaced by leucine, an amino acid with dissimilar properties. This amino acid position is not well conserved in available vertebrate species, and leucine is the reference amino acid in other vertebrate species. In addition, the in silico prediction for this alteration is inconclusive. Based on the available evidence, the clinical significance of this variant remains unclear.

NM_000059.4(BRCA2):c.8978C>T (p.Ser2993Leu)

Gene: BRCA2 (BRCA2 DNA repair associated; plus strand). Cytogenetic location: 13q13.1.
Variant type: single nucleotide variant.
Coding change: c.8978C>T on transcript NM_000059.4 (MANE Select); coding-DNA position 8978, C replaced by T.
Protein change: p.Ser2993Leu; replaces serine 2993 with leucine.
Molecular consequence: missense variant.
Genome position (GRCh38, 1-based): chr13:32,379,774, C>T. VCF-style: chr13-32379774-C-T. GRCh37 (hg19) VCF-style: chr13-32953911-C-T.
Other names: c.8882C>T, p.Ser2961Leu (NM_001406719.1); c.4046C>T, p.Ser1349Leu (NM_001406721.1); c.2561C>T, p.Ser854Leu (NM_001406722.1); short protein forms S1349L, S2961L, S2993L, S854L.
Identifiers: ClinVar variation 1765296 (VCV001765296.3), dbSNP rs397508025, ClinGen allele CA387757402.
Genomic context (GRCh38, chr13:32,379,774, plus strand): 5'-TCTTCCATTGCATCTTTCTCATCTTTCTCCAAACAGTTATACTGAGTATTTGGCGTCCAT[C>T]ATCAGATTTATATTCTCTGTTAACAGAAGGAAAGAGATACAGAATTTATCATCTTGCAAC-3'
Protein context (NP_000050.3, residues 2983-3003): DSVILSIWRP[Ser2993Leu]SDLYSLLTEG